The following is an entry in ClinVar:

NM_000414.4(HSD17B4):c.1426_1429del (p.Asp476fs)

Gene: HSD17B4 (hydroxysteroid 17-beta dehydrogenase 4; plus strand). Cytogenetic location: 5q23.1.
Variant type: Deletion.
Coding change: c.1426_1429del on transcript NM_000414.4 (MANE Select); coding-DNA positions 1426 to 1429, 4 bases deleted (GACA; older notation c.1426_1429delGACA).
Protein change: p.Asp476fs; shifts the reading frame from aspartic acid 476.
Molecular consequence: frameshift variant. On other transcripts: non-coding transcript variant (2).
Genome position (GRCh38, 1-based): chr5:119,509,233-119,509,236, GACA deleted; deleting any 4 consecutive bases within chr5:119,509,231-119,509,236 gives the same sequence; the c. name uses the placement nearest the transcript's 3' end. VCF-style (leftmost placement, unchanged base first): chr5-119509230-TCAGA-T. GRCh37 (hg19) VCF-style: chr5-118844925-TCAGA-T.
Other names: c.1501_1504del, p.Asp501fs (NM_001199291.3); c.1372_1375del, p.Asp458fs (NM_001199292.2); c.1354_1357del, p.Asp452fs (NM_001292027.2, NM_001374498.1); c.1006_1009del, p.Asp336fs (NM_001292028.2); c.1417_1420del, p.Asp473fs (NM_001374497.1); c.1099_1102del, p.Asp367fs (NM_001374499.1); c.985_988del, p.Asp329fs (NM_001374500.1); c.1015_1018del, p.Asp339fs (NM_001374501.1, NM_001374502.1, NM_001374503.1); short protein forms D473fs, D339fs, D367fs, D452fs, D458fs, D501fs, D336fs, D476fs.
Identifiers: ClinVar variation 2115984 (VCV002115984.4), dbSNP rs2531805137, ClinGen allele CA2580072538.
Genomic context (GRCh38, chr5:119,509,230, plus strand): 5'-TGCCACAATCAGTTCTCTCTCTTTCTTGTTGGCTCTGGAGGCTTTGGTGGAAAACGGACA[TCAGA>T]CAAAGTCAAGGTAAGCCATGACTTTGTAAGCAAAATATATGTGTAGTTAAGGATTCTTAC-3'

ClinVar aggregate classification (germline): Pathogenic (1 of 4 stars; one submission).

Conditions:
Bifunctional peroxisomal enzyme deficiency (DBIF). Also called: DBP DEFICIENCY; PBFE DEFICIENCY; D-bifunctional protein deficiency. Identifiers: Orphanet 300, MedGen C0342870, MONDO:0009855, OMIM 261515. Disease mechanism: loss of function.
Perrault syndrome. Also called: Gonadal dysgenesis with auditory dysfunction, autosomal recessive inheritance. Identifiers: Orphanet 2855, MedGen C0685838, MONDO:0017312.

Submission:

Labcorp Genetics (formerly Invitae), Labcorp
Classification: Pathogenic for Perrault syndrome; Bifunctional peroxisomal enzyme deficiency. Last evaluated: 2022-03-31. Review status: criteria provided, single submitter. Criteria: Invitae Variant Classification Sherloc (09022015). Collection method: clinical testing. Allele origin: germline.
Comment: For these reasons, this variant has been classified as Pathogenic. This variant has not been reported in the literature in individuals affected with HSD17B4-related conditions. This variant is not present in population databases (gnomAD no frequency). This sequence change creates a premature translational stop signal (p.Asp476Lysfs*4) in the HSD17B4 gene. It is expected to result in an absent or disrupted protein product. Loss-of-function variants in HSD17B4 are known to be pathogenic (PMID: 11810648, 16385454).

Literature cited by the submitters: PubMed 11810648; PubMed 16385454.